The following is an entry in ClinVar:

NM_152783.5(D2HGDH):c.768C>T (p.Ile256=)

Gene: D2HGDH (D-2-hydroxyglutarate dehydrogenase; plus strand). Cytogenetic location: 2q37.3.
Variant type: single nucleotide variant.
Coding change: c.768C>T on transcript NM_152783.5 (MANE Select); coding-DNA position 768, C replaced by T.
Protein change: p.Ile256=; no amino-acid change (isoleucine 256 retained).
Molecular consequence: synonymous variant. On other transcripts: non-coding transcript variant (1).
Genome position (GRCh38, 1-based): chr2:241,744,792, C>T. VCF-style: chr2-241744792-C-T. GRCh37 (hg19) VCF-style: chr2-242684207-C-T.
Other names: c.366C>T, p.Ile122= (NM_001287249.2); c.207C>T, p.Ile69= (NM_001352824.2); c.768C>T (NM_152783.4).
Identifiers: ClinVar variation 898354 (VCV000898354.10), dbSNP rs377034676, ClinGen allele CA2221764.

ClinVar aggregate classification (germline): Conflicting classifications of pathogenicity. Review status: criteria provided, conflicting classifications (1 of 4 stars). 3 submissions from 3 submitters: Uncertain significance (1); Likely benign (1). 1 of the submissions does not count toward it. Last evaluated 2024-04-05.

Conditions:
D-2-hydroxyglutaric aciduria 1 (D2HGA1). Identifiers: Orphanet 79315, MedGen C3152055, MONDO:0024554, OMIM 600721.
D2HGDH-related disorder. Also called: D2HGDH-related condition.

Allele frequency attached by ClinVar (database versions not stated): gnomAD exomes 0.00008; ExAC 0.00012; gnomAD 0.00015 and 0.00016; 1000 Genomes Project 30x 0.00016; TOPMed 0.00019; 1000 Genomes Project 0.00020; ESP Exome Variant Server 0.00031.
gnomAD v4.1: 117 of 1,614,200 alleles (0.0072%); highest among the groups gnomAD compares: African/African-American, 0.053%; no homozygotes.

Submissions (3):

Labcorp Genetics (formerly Invitae), Labcorp
Classification: Likely benign for D-2-hydroxyglutaric aciduria 1. Last evaluated: 2024-04-05. Review status: criteria provided, single submitter. Criteria: Invitae Variant Classification Sherloc (09022015). Collection method: clinical testing. Allele origin: germline.

Illumina Laboratory Services, Illumina
Classification: Uncertain significance for D-2-hydroxyglutaric aciduria 1. Last evaluated: 2017-04-28. Review status: criteria provided, single submitter. Criteria: ICSL Variant Classification Criteria 13 December 2019. Collection method: clinical testing. Allele origin: germline.

PreventionGenetics, part of Exact Sciences
Classification: Likely benign for D2HGDH-related condition. Last evaluated: 2024-02-19. Review status: no assertion criteria provided. Collection method: clinical testing. Allele origin: germline. Not counted in ClinVar's aggregate classification.
Comment: This variant is classified as likely benign based on ACMG/AMP sequence variant interpretation guidelines (Richards et al. 2015 PMID: 25741868, with internal and published modifications).